The following is an entry in ClinVar:

NM_000088.4(COL1A1):c.3092G>A (p.Gly1031Asp)

Gene: COL1A1 (collagen type I alpha 1 chain; minus strand). Cytogenetic location: 17q21.33.
Variant type: single nucleotide variant.
Coding change: c.3092G>A on transcript NM_000088.4 (MANE Select); coding-DNA position 3092, G replaced by A.
Protein change: p.Gly1031Asp; replaces glycine 1031 with aspartic acid.
Molecular consequence: missense variant.
Genome position (GRCh38, 1-based): chr17:50,188,749, C>T on the plus strand (G>A on the coding strand, the complement: COL1A1 is on the minus strand). VCF-style: chr17-50188749-C-T. GRCh37 (hg19) VCF-style: chr17-48266110-C-T.
Other names: short protein forms G1031D.
Identifiers: ClinVar variation 3255125 (VCV003255125.2), dbSNP rs2509178555.
Genomic context (GRCh38, chr17:50,188,749, plus strand): 5'-TGGGGCAGGGAAGCAGCAGACAAGGCTGTGGTCATGGAGTGTTGCCATCTTACCTTGGCG[C>T]CAGGAGAACCGTCTCGTCCAGGGGAACCTTCGGCACCAGGAGCCCCCTGCAGAGAGAGAG-3'
Protein context (NP_000079.2, residues 1021-1041): EGSPGRDGSP[Gly1031Asp]AKGDRGETGP

ClinVar aggregate classification (germline): Likely pathogenic. Review status: criteria provided, multiple submitters, no conflicts (2 of 4 stars). 2 submissions from 2 submitters: Likely pathogenic (2). Last evaluated 2025-04-28.

Conditions:
Osteogenesis imperfecta, perinatal lethal (OI2). Also called: OI, TYPE II; OSTEOGENESIS IMPERFECTA CONGENITA; VROLIK TYPE OF OSTEOGENESIS IMPERFECTA; OSTEOGENESIS IMPERFECTA, TYPE II; Osteogenesis imperfecta type 2; Osteogenesis imperfecta, dominant perinatal lethal. Identifiers: Orphanet 216804, MedGen C0268358, MONDO:0008147, OMIM 166210.
autosomal dominant COL1A1-related osteogenesis imperfecta.

Submissions (2):

Variantyx, Inc.
Classification: Likely pathogenic for autosomal dominant COL1A1-related osteogenesis imperfecta. Last evaluated: 2025-04-28. Review status: criteria provided, single submitter. Criteria: Variantyx Assertion Criteria 2022. Collection method: clinical testing. Allele origin: de novo. Inheritance: Autosomal dominant inheritance. Affected: yes.
Comment: This is a nonsynonymous variant in the COL1A1 gene (OMIM: 120150). Pathogenic variants in this gene have been associated with autosomal dominant COL1A1-related osteogenesis imperfecta. This variant lies within a known hotspot for pathogenic variants or a well-established critical functional domain of the COL1A1 protein (PMID: 17078022) (PM1). Multiple computational algorithms predict a deleterious effect for this variant (REVEL score: 0.968) (PP3). The variant is absent from control populations (PM2). Based on the current evidence, this variant is classified as likely pathogenic for autosomal dominant COL1A1-related osteogenesis imperfecta .

Victorian Clinical Genetics Services, Murdoch Childrens Research Institute
Classification: Likely pathogenic for Osteogenesis imperfecta, perinatal lethal. Last evaluated: 2023-07-17. Review status: criteria provided, single submitter. Criteria: ACMG Guidelines, 2015. Collection method: clinical testing. Allele origin: germline. Inheritance: Autosomal dominant inheritance. Affected: yes.
Comment: Based on the classification scheme VCGS_Germline_v1.3.4, this variant is classified as Likely Pathogenic. Following criteria are met: 0103 Dominant negative and loss of function are known mechanisms of disease in this gene and are associated with osteogenesis imperfecta (OI) types I-IV, and other conditions (OMIM). Variants resulting in a truncated protein are known to have a loss of function effect on protein, while missense variants affecting the G-X-Y of a triple helix motif have a dominant negative effect (PMID: 27509835, PMID: 12362985). (I) 0107 - This gene is associated with autosomal dominant disease. (I) 0115 - Variants in this gene are known to have variable expressivity (GeneReviews). (I) 0200 - Variant is predicted to result in a missense amino acid change from glycine to aspartic acid. (I) 0251 - This variant is heterozygous. (I) 0301 - Variant is absent from gnomAD (both v2 and v3). (SP) 0501 - Missense variant consistently predicted to be damaging by multiple in silico tools or highly conserved with a major amino acid change. (SP) 0601 - Variant is located in the well-established functional Gly-X-Y motif within the collagen repeat domain, and affects a glycine residue (DECIPHER). (SP) 0705 - No comparable missense variants have previous evidence for pathogenicity. (I) 0807 - This variant has no previous evidence of pathogenicity. (I) 0905 - No published segregation evidence has been identified for this variant. (I) 1007 - No published functional evidence has been identified for this variant. (I) 1102 - Strong phenotype match for this fetus. (I) Legend: (SP) - Supporting pathogenic, (I) - Information, (SB) - Supporting benign

Literature cited by the submitters: PubMed 17078022 (cited by Variantyx, Inc.); PubMed 12362985 (cited by Victorian Clinical Genetics Services, Murdoch Childrens Research Institute); PubMed 27509835 (cited by Victorian Clinical Genetics Services, Murdoch Childrens Research Institute).